The following is an entry in ClinVar:

NM_030957.4(ADAMTS10):c.2636G>C (p.Cys879Ser)

Gene: ADAMTS10 (ADAM metallopeptidase with thrombospondin type 1 motif 10; minus strand). Cytogenetic location: 19p13.2.
Variant type: single nucleotide variant.
Coding change: c.2636G>C on transcript NM_030957.4 (MANE Select); coding-DNA position 2636, G replaced by C.
Protein change: p.Cys879Ser; replaces cysteine 879 with serine.
Molecular consequence: missense variant.
Genome position (GRCh38, 1-based): chr19:8,586,146, C>G on the plus strand (G>C on the coding strand, the complement: ADAMTS10 is on the minus strand). VCF-style: chr19-8586146-C-G. GRCh37 (hg19) VCF-style: chr19-8651030-C-G.
Other names: c.1097G>C, p.Cys366Ser (NM_001282352.2); short protein forms C366S, C879S.
Identifiers: ClinVar variation 1346693 (VCV001346693.8), dbSNP rs2146041786, ClinGen allele CA403749339.
Genomic context (GRCh38, chr19:8,586,146, plus strand): 5'-TCACCCTGAGCAACACTGCCCCCTGGCGGCACTCACTCTGGAGGGCAAGGCTCCGTGTTG[C>G]AGGCGCGCTGCCTTTTGGGCAGCTTGCTGTGGGCACTGCAGTAGTGGGGGGCGACCGCGG-3'
Protein context (NP_112219.3, residues 869-889): HSKLPKRQRA[Cys879Ser]NTEPCPPDWV

ClinVar aggregate classification (germline): Uncertain significance (1 of 4 stars; one submission).

Submission:

Labcorp Genetics (formerly Invitae), Labcorp
Classification: Uncertain significance. Last evaluated: 2021-04-18. Review status: criteria provided, single submitter. Criteria: Invitae Variant Classification Sherloc (09022015). Collection method: clinical testing. Allele origin: germline.
Comment: This variant is not present in population databases (ExAC no frequency). This variant has not been reported in the literature in individuals with ADAMTS10-related conditions. Algorithms developed to predict the effect of missense changes on protein structure and function are either unavailable or do not agree on the potential impact of this missense change (SIFT: "Deleterious"; PolyPhen-2: "Probably Damaging"; Align-GVGD: "Class C0"). This sequence change replaces cysteine with serine at codon 879 of the ADAMTS10 protein (p.Cys879Ser). The cysteine residue is highly conserved and there is a moderate physicochemical difference between cysteine and serine. In summary, the available evidence is currently insufficient to determine the role of this variant in disease. Therefore, it has been classified as a Variant of Uncertain Significance.